The following is an entry in ClinVar:

NM_004360.5(CDH1):c.1779dup (p.Ile594fs)

Gene: CDH1 (cadherin 1; plus strand). Cytogenetic location: 16q22.1.
Variant type: Duplication.
Coding change: c.1779dup on transcript NM_004360.5 (MANE Select); coding-DNA position 1779, one base duplicated (C; older notation c.1779dupC).
Protein change: p.Ile594fs; shifts the reading frame from isoleucine 594.
Molecular consequence: frameshift variant. On other transcripts: 5 prime UTR variant (1).
Genome position (GRCh38, 1-based): chr16:68,822,068, C duplicated; the last of 5 consecutive C bases (chr16:68,822,064-68,822,068); duplicating any one gives the same sequence. VCF-style (leftmost placement, unchanged base first): chr16-68822063-G-GC. GRCh37 (hg19) VCF-style: chr16-68855966-G-GC.
Other names: c.1779dup (LRG_301t1); c.1596dup, p.Ile533fs (NM_001317184.2); c.231dup, p.Ile78fs (NM_001317185.2); c.-187dup (NM_001317186.2); short protein forms I594fs, I78fs, I533fs.
Identifiers: ClinVar variation 234610 (VCV000234610.16), dbSNP rs876661118, ClinGen allele CA10577548.

ClinVar aggregate classification (germline): Pathogenic. Review status: reviewed by expert panel (3 of 4 stars). 5 submissions from 5 submitters: Pathogenic (1). 4 of the submissions do not count toward it. Last evaluated 2023-08-25.

Conditions:
CDH1-related diffuse gastric and lobular breast cancer syndrome. Also called: CDH1-related diffuse gastric and lobular breast cancer. Identifiers: MedGen CN311521, MONDO:0100488.
Hereditary cancer-predisposing syndrome. Also called: Tumor predisposition; Hereditary Cancer Syndrome; Hereditary neoplastic syndrome; Neoplastic Syndromes, Hereditary. Identifiers: Orphanet 140162, MedGen C0027672, MeSH D009386, MONDO:0015356.
Hereditary diffuse gastric adenocarcinoma (HDGC). Also called: DIFFUSE GASTRIC AND LOBULAR BREAST CANCER SYNDROME. Identifiers: Orphanet 26106, MedGen C1708349, MONDO:0007648, OMIM 137215.

Submissions (5):

Clingen Gastric Cancer Variant Curation Expert Panel
Classification: Pathogenic for CDH1-related diffuse gastric and lobular breast cancer syndrome. Last evaluated: 2023-08-25. Review status: reviewed by expert panel. Criteria: ClinGen CDH1 ACMG Specifications V3.1. Collection method: curation. Allele origin: germline. Inheritance: Autosomal dominant inheritance.
Comment: The c.1779dup p.(Ile594fs) variant is predicted to result in a premature stop codon that leads to a truncated or absent protein (PVS1, PM5_Supporting). The variant is absent in the gnomAD cohort (PM2_Supporting). Additionally, this variant has been reported in at least one family meeting HDGC clinical criteria (PS4_Supporting; PMID: 15235021). In summary, this variant meets criteria to be classified as pathogenic based on the ACMG/AMP criteria applied as specified by the CDH1 Variant Curation Expert Panel (Variant Interpretation Guidelines Version 3.1): PVS1, PM2_Supporting, PS4_Supporting, PM5_Supporting.

Myriad Genetics, Inc.
Classification: Pathogenic for Hereditary diffuse gastric adenocarcinoma. Last evaluated: 2023-06-14. Review status: criteria provided, single submitter. Criteria: Myriad Autosomal Dominant, Autosomal Recessive and X-Linked Classification Criteria (2023). Collection method: clinical testing. Allele origin: unknown. Not counted in ClinVar's aggregate classification.
Comment: This variant is considered pathogenic. This variant creates a frameshift predicted to result in premature protein truncation.

Labcorp Genetics (formerly Invitae), Labcorp
Classification: Pathogenic for Hereditary diffuse gastric adenocarcinoma. Last evaluated: 2022-07-30. Review status: criteria provided, single submitter. Criteria: Invitae Variant Classification Sherloc (09022015). Collection method: clinical testing. Allele origin: germline. Not counted in ClinVar's aggregate classification.
Comment: For these reasons, this variant has been classified as Pathogenic. ClinVar contains an entry for this variant (Variation ID: 234610). This variant is also known as 1779insC. This premature translational stop signal has been observed in individual(s) with diffuse gastric cancer (PMID: 15235021). This variant is not present in population databases (gnomAD no frequency). This sequence change creates a premature translational stop signal (p.Ile594Hisfs*11) in the CDH1 gene. It is expected to result in an absent or disrupted protein product. Loss-of-function variants in CDH1 are known to be pathogenic (PMID: 15235021, 20373070).

Ambry Genetics
Classification: Pathogenic for Hereditary cancer-predisposing syndrome. Last evaluated: 2022-06-16. Review status: criteria provided, single submitter. Criteria: Ambry Variant Classification Scheme 2023. Collection method: clinical testing. Allele origin: germline. Not counted in ClinVar's aggregate classification.
Comment: The c.1779dupC pathogenic mutation, located in coding exon 12 of the CDH1 gene, results from a duplication of C at nucleotide position 1779, causing a translational frameshift with a predicted alternate stop codon (p.I594Hfs*11). This mutation has been previously described in an individual with diffuse gastric cancer who also had a family history of diffuse gastric cancer (Brooks-Wilson AR et al. J. Med. Genet. 2004 Jul;41:508-17). In addition to the clinical data presented in the literature, this alteration is expected to result in loss of function by premature protein truncation or nonsense-mediated mRNA decay. As such, this alteration is interpreted as a disease-causing mutation.

GeneDx
Classification: Pathogenic. Last evaluated: 2016-01-18. Review status: criteria provided, single submitter. Criteria: GeneDx Variant Classification (06012015). Collection method: clinical testing. Allele origin: germline. Affected: yes. Not counted in ClinVar's aggregate classification.
Comment: This duplication of one nucleotide in CDH1 is denoted c.1779dupC at the cDNA level and p.Ile594HisfsX11 (I594HfsX11) at the protein level. The normal sequence, with the base that is duplicated in braces, is GCCCC[C]ATAC. The duplication causes a frameshift, which changes an Isoleucine to a Histidine at codon 594, and creates a premature stop codon at position 11 of the new reading frame. This variant is predicted to cause loss of normal protein function through either protein truncation or nonsense-mediated mRNA decay. CDH1 c.1779dupC has been observed in an individual with a personal and family history of diffuse gastric cancer (Brooks-Wilson 2004). Based on the currently available information, we consider this duplication to be pathogenic

Literature cited by the submitters: PubMed 15235021 (cited by Labcorp Genetics (formerly Invitae), Labcorp and Ambry Genetics); PubMed 20373070 (cited by Labcorp Genetics (formerly Invitae), Labcorp).